The following is an entry in ClinVar:

NM_001127644.2(GABRA1):c.644T>C (p.Leu215Pro)

Gene: GABRA1 (gamma-aminobutyric acid type A receptor subunit alpha1; plus strand). Cytogenetic location: 5q34.
Variant type: single nucleotide variant.
Coding change: c.644T>C on transcript NM_001127644.2 (MANE Select); coding-DNA position 644, T replaced by C.
Protein change: p.Leu215Pro; replaces leucine 215 with proline.
Molecular consequence: missense variant.
Genome position (GRCh38, 1-based): chr5:161,882,642, T>C. VCF-style: chr5-161882642-T-C. GRCh37 (hg19) VCF-style: chr5-161309648-T-C.
Other names: c.644T>C, p.Leu215Pro (NM_000806.5, NM_001127643.2, NM_001127645.2 and 1 more transcripts); short protein forms L215P.
Identifiers: ClinVar variation 3342371 (VCV003342371.1).

ClinVar aggregate classification (germline): Pathogenic (1 of 4 stars; one submission).

Submission:

GeneDx
Classification: Pathogenic. Last evaluated: 2023-07-27. Review status: criteria provided, single submitter. Criteria: GeneDx Variant Classification Process June 2021. Collection method: clinical testing. Allele origin: germline. Affected: yes.
Comment: Published functional studies demonstrate a damaging effect on receptor current amplitudes (Hernandez et al., 2021); Not observed at significant frequency in large population cohorts (gnomAD); In silico analysis supports that this missense variant has a deleterious effect on protein structure/function; This variant is associated with the following publications: (PMID: 34095830, 36034301)